The following is an entry in ClinVar:

ClinVar aggregate classification (germline): Uncertain significance (1 of 4 stars; one submission).

Submission:

Labcorp Genetics (formerly Invitae), Labcorp
Classification: Uncertain significance. Last evaluated: 2025-07-28. Review status: criteria provided, single submitter. Criteria: Invitae Variant Classification Sherloc (09022015). Collection method: clinical testing. Allele origin: germline.
Comment: This sequence change replaces serine, which is neutral and polar, with asparagine, which is neutral and polar, at codon 402 of the NEK2 protein (p.Ser402Asn). This variant is not present in population databases (gnomAD no frequency). This variant has not been reported in the literature in individuals affected with NEK2-related conditions. ClinVar contains an entry for this variant (Variation ID: 3654204). An algorithm developed to predict the effect of missense changes on protein structure and function outputs the following: PolyPhen-2: "Benign". The asparagine amino acid residue is found in multiple mammalian species, which suggests that this missense change does not adversely affect protein function. In summary, the available evidence is currently insufficient to determine the role of this variant in disease. Therefore, it has been classified as a Variant of Uncertain Significance.

NM_002497.4(NEK2):c.1205G>A (p.Ser402Asn)

Gene: NEK2 (NIMA related kinase 2; minus strand). Cytogenetic location: 1q32.3.
Variant type: single nucleotide variant.
Coding change: c.1205G>A on transcript NM_002497.4 (MANE Select); coding-DNA position 1205, G replaced by A.
Protein change: p.Ser402Asn; replaces serine 402 with asparagine.
Molecular consequence: missense variant. On other transcripts: intron variant (1).
Genome position (GRCh38, 1-based): chr1:211,663,559, C>T on the plus strand (G>A on the coding strand, the complement: NEK2 is on the minus strand). VCF-style: chr1-211663559-C-T. GRCh37 (hg19) VCF-style: chr1-211836901-C-T.
Other names: c.1111+3547G>A (NM_001204182.2); short protein forms S402N.
Identifiers: ClinVar variation 3654204 (VCV003654204.2).